The following is an entry in ClinVar:

ClinVar aggregate classification (germline): Pathogenic/Likely pathogenic. Review status: criteria provided, multiple submitters, no conflicts (2 of 4 stars). 4 submissions from 4 submitters: Pathogenic (3); Likely pathogenic (1). Last evaluated 2025-11-03.

Conditions:
Hereditary cancer-predisposing syndrome. Also called: Tumor predisposition; Neoplastic Syndromes, Hereditary; Hereditary Cancer Syndrome; Hereditary neoplastic syndrome. Identifiers: Orphanet 140162, MedGen C0027672, MeSH D009386, MONDO:0015356.
Fanconi anemia complementation group O. Also called: RAD51C-Related Fanconi Anemia. Identifiers: Orphanet 84, MedGen C3150653, MONDO:0013248, OMIM 613390.
Breast-ovarian cancer, familial, susceptibility to, 3. Also called: RAD51C-Related Breast/Ovarian Cancer. Identifiers: Orphanet 145, MedGen C3150659, MONDO:0013253, OMIM 613399.

Submissions (4):

Labcorp Genetics (formerly Invitae), Labcorp
Classification: Pathogenic for Fanconi anemia complementation group O. Last evaluated: 2025-11-03. Review status: criteria provided, single submitter. Criteria: Invitae Variant Classification Sherloc (09022015). Collection method: clinical testing. Allele origin: germline.
Comment: This sequence change creates a premature translational stop signal (p.His179Thrfs*5) in the RAD51C gene. It is expected to result in an absent or disrupted protein product. Loss-of-function variants in RAD51C are known to be pathogenic (PMID: 20400964, 21990120, 24800917, 29278735). This variant is not present in population databases (gnomAD no frequency). This premature translational stop signal has been observed in individual(s) with RAD51C-related conditions (PMID: 32427313). ClinVar contains an entry for this variant (Variation ID: 471445). RNA analysis performed to evaluate the impact of this premature translational stop signal on mRNA splicing indicates it does not significantly alter splicing (internal data). For these reasons, this variant has been classified as Pathogenic.

Ambry Genetics
Classification: Pathogenic for Hereditary cancer-predisposing syndrome. Last evaluated: 2025-09-16. Review status: criteria provided, single submitter. Criteria: Ambry Variant Classification Scheme 2023. Collection method: clinical testing. Allele origin: germline.
Comment: The c.535delC pathogenic mutation, located in coding exon 3 of the RAD51C gene, results from a deletion of one nucleotide at nucleotide position 535, causing a translational frameshift with a predicted alternate stop codon (p.H179Tfs*5). This variant is considered to be rare based on population cohorts in the Genome Aggregation Database (gnomAD). This alteration is expected to result in loss of function by premature protein truncation or nonsense-mediated mRNA decay. As such, this alteration is interpreted as a disease-causing mutation.

Myriad Genetics, Inc.
Classification: Pathogenic for Breast-ovarian cancer, familial, susceptibility to, 3. Last evaluated: 2024-01-03. Review status: criteria provided, single submitter. Criteria: Myriad Autosomal Dominant, Autosomal Recessive and X-Linked Classification Criteria (2023). Collection method: clinical testing. Allele origin: unknown.
Comment: This variant is considered pathogenic. This variant creates a frameshift predicted to result in premature protein truncation.

Baylor Genetics
Classification: Likely pathogenic for Breast-ovarian cancer, familial, susceptibility to, 3. Last evaluated: 2021-12-04. Review status: criteria provided, single submitter. Criteria: ACMG Guidelines, 2015. Collection method: clinical testing. Allele origin: unknown.

Literature cited by the submitters: PubMed 20400964 (cited by Labcorp Genetics (formerly Invitae), Labcorp); PubMed 21990120 (cited by Labcorp Genetics (formerly Invitae), Labcorp); PubMed 24800917 (cited by Labcorp Genetics (formerly Invitae), Labcorp); PubMed 29278735 (cited by Labcorp Genetics (formerly Invitae), Labcorp); PubMed 32427313 (cited by Labcorp Genetics (formerly Invitae), Labcorp).

NM_058216.3(RAD51C):c.535del (p.His179fs)

Gene: RAD51C (RAD51 paralog C; plus strand). Cytogenetic location: 17q22.
Variant type: Deletion.
Coding change: c.535del on transcript NM_058216.3 (MANE Select); coding-DNA position 535, one base deleted (C; older notation c.535delC).
Protein change: p.His179fs; shifts the reading frame from histidine 179.
Molecular consequence: frameshift variant.
Genome position (GRCh38, 1-based): chr17:58,696,823, C deleted. VCF-style (leftmost placement, unchanged base first): chr17-58696822-GC-G. GRCh37 (hg19) VCF-style: chr17-56774183-GC-G.
Other names: short protein forms H179fs.
Identifiers: ClinVar variation 471445 (VCV000471445.11), dbSNP rs1555594864, ClinGen allele CA658658641.